The following is an entry in ClinVar:

ClinVar aggregate classification (germline): Likely benign (0 of 4 stars; one submission).

Submission:

Leiden Open Variation Database
Classification: Likely benign. Last evaluated: 2012-08-31. Review status: no assertion criteria provided. Collection method: curation. Allele origin: germline. Affected: yes.
Comment: Curator: Arleen D. Auerbach. Submitter to LOVD: Janine Bakker.

Literature cited by the submitters: PubMed 22911665.

NM_032444.4(SLX4):c.2328-48_2328-36del

Gene: SLX4 (SLX4 structure-specific endonuclease subunit; minus strand). Cytogenetic location: 16p13.3.
Variant type: Deletion.
Coding change: c.2328-48_2328-36del on transcript NM_032444.4 (MANE Select); 48 bases into the intron before coding-DNA position 2328 through 36 bases into the intron before coding-DNA position 2328, 13 bases deleted (CCCATCTCCACGC).
Molecular consequence: intron variant.
Genome position (GRCh38, 1-based): chr16:3,591,346-3,591,358, GCGTGGAGATGGG deleted on the plus strand (CCCATCTCCACGC on the coding strand, the reverse complement: SLX4 is on the minus strand). VCF-style (leftmost placement, unchanged base first): chr16-3591345-TGCGTGGAGATGGG-T. GRCh37 (hg19) VCF-style: chr16-3641346-TGCGTGGAGATGGG-T.
Identifiers: ClinVar variation 929589 (VCV000929589.1), dbSNP rs2040593649, ClinGen allele CA1139664451.
Genomic context (GRCh38, chr16:3,591,345, plus strand): 5'-GGTGAACGAGCTCACTCACGCCAAACCTGCAACACGAAACATCGACAGTCATCGCCCCTC[TGCGTGGAGATGGG>T]CTCTGGGTGCCCCGGTGGGGTGGCGGACCAGAGCAGAGTCTTCACCAGGAGGAATGACCA-3'